The following is an entry in ClinVar:

ClinVar aggregate classification (germline): Uncertain significance. Review status: criteria provided, multiple submitters, no conflicts (2 of 4 stars). 4 submissions from 4 submitters: Uncertain significance (4). Last evaluated 2025-07-03.

Conditions:
Cardiovascular phenotype. Identifiers: MedGen CN230736.
Arrhythmogenic right ventricular cardiomyopathy (ARVD). Also called: Arrhythmogenic cardiomyopathy; Cardiomyopathy, ARVC; Arrhythmogenic right ventricular dysplasia; Arrhythmogenic Right Ventricular Cardiomyopathy (ARVC). Identifiers: Orphanet 247, MedGen C0349788, MeSH D019571, MONDO:0016587. Disease mechanism: loss of function. Inheritance: Various modes of inheritance.
Cardiomyopathy (CMYO). Also called: Cardiomyopathies. Identifiers: Orphanet 167848, MedGen C0878544, MONDO:0004994, HP:0001638. Inheritance: Various modes of inheritance.
Arrhythmogenic right ventricular dysplasia 9 (ARVD9). Also called: Arrhythmogenic Right Ventricular Dysplasia/Cardiomyopathy 9; ARRHYTHMOGENIC RIGHT VENTRICULAR DYSPLASIA, FAMILIAL, 9. Identifiers: MedGen C1836906, MONDO:0012180, OMIM 609040.

gnomAD v4.1: 2 of 1,613,974 alleles (0.00012%); highest among the groups gnomAD compares: Non-Finnish European, 0.00017%; no homozygotes.

Submissions (4):

Ambry Genetics
Classification: Uncertain significance for Cardiovascular phenotype. Last evaluated: 2025-07-03. Review status: criteria provided, single submitter. Criteria: Ambry Variant Classification Scheme 2023. Collection method: clinical testing. Allele origin: germline.
Comment: The p.P671S variant (also known as c.2011C>T), located in coding exon 10 of the PKP2 gene, results from a C to T substitution at nucleotide position 2011. The proline at codon 671 is replaced by serine, an amino acid with similar properties. This amino acid position is highly conserved in available vertebrate species. In addition, this alteration is predicted to be deleterious by in silico analysis. Based on the available evidence, the clinical significance of this variant remains unclear.

All of Us Research Program, National Institutes of Health
Classification: Uncertain significance for Arrhythmogenic right ventricular cardiomyopathy. Last evaluated: 2024-03-24. Review status: criteria provided, single submitter. Criteria: ACMG Guidelines, 2015. Collection method: clinical testing. Allele origin: germline. Inheritance: Autosomal dominant inheritance. Observed: 2 variant alleles, 2 heterozygotes.
Comment: This missense variant replaces proline with serine at codon 671 of the PKP2 protein. Computational prediction tools and conservation analyses suggest that this variant may have deleterious impact on the protein function. Computational splicing tools suggest that this variant may not impact RNA splicing. To our knowledge, functional assays have not been performed for this variant nor has this variant been reported in individuals affected with cardiovascular disorders in the literature. This variant has not been identified in the general population by the Genome Aggregation Database (gnomAD). Available evidence is insufficient to determine the role of this variant in disease conclusively. Therefore, this variant is classified as a Variant of Uncertain Significance.

This study involves interpretation of variants in research participants for the purpose of population health screening. Participant phenotype was not available at the time of variant classification. Additional details can be found in publication PMID: 35346344, PMCID: PMC8962531

Color Diagnostics, LLC DBA Color Health
Classification: Uncertain significance for Cardiomyopathy. Last evaluated: 2023-04-07. Review status: criteria provided, single submitter. Criteria: ACMG Guidelines, 2015. Collection method: clinical testing. Allele origin: germline.
Comment: This missense variant replaces proline with serine at codon 671 of the PKP2 protein. Computational prediction suggests that this variant may have deleterious impact on protein structure and function (internally defined REVEL score threshold >= 0.7, PMID: 27666373). To our knowledge, functional studies have not been reported for this variant. This variant has not been reported in individuals affected with PKP2-related disorders in the literature. This variant has not been identified in the general population by the Genome Aggregation Database (gnomAD). The available evidence is insufficient to determine the role of this variant in disease conclusively. Therefore, this variant is classified as a Variant of Uncertain Significance.

Labcorp Genetics (formerly Invitae), Labcorp
Classification: Uncertain significance for Arrhythmogenic right ventricular dysplasia 9. Last evaluated: 2022-10-03. Review status: criteria provided, single submitter. Criteria: Invitae Variant Classification Sherloc (09022015). Collection method: clinical testing. Allele origin: germline.
Comment: In summary, the available evidence is currently insufficient to determine the role of this variant in disease. Therefore, it has been classified as a Variant of Uncertain Significance. Algorithms developed to predict the effect of missense changes on protein structure and function (SIFT, PolyPhen-2, Align-GVGD) all suggest that this variant is likely to be disruptive. ClinVar contains an entry for this variant (Variation ID: 919430). This variant has not been reported in the literature in individuals affected with PKP2-related conditions. This variant is not present in population databases (gnomAD no frequency). This sequence change replaces proline, which is neutral and non-polar, with serine, which is neutral and polar, at codon 671 of the PKP2 protein (p.Pro671Ser).

NM_001005242.3(PKP2):c.1879C>T (p.Pro627Ser)

Gene: PKP2 (plakophilin 2; minus strand). Cytogenetic location: 12p11.21.
Variant type: single nucleotide variant.
Coding change: c.1879C>T on transcript NM_001005242.3 (MANE Select); coding-DNA position 1879, C replaced by T.
Protein change: p.Pro627Ser; replaces proline 627 with serine.
Molecular consequence: missense variant.
Genome position (GRCh38, 1-based): chr12:32,821,490, G>A on the plus strand (C>T on the coding strand, the complement: PKP2 is on the minus strand). VCF-style: chr12-32821490-G-A. GRCh37 (hg19) VCF-style: chr12-32974424-G-A.
Other names: c.2011C>T, p.Pro671Ser (NM_004572.4); short protein forms P671S, P627S.
Identifiers: ClinVar variation 919430 (VCV000919430.12), dbSNP rs1956377569, ClinGen allele CA384362222.
Genomic context (GRCh38, chr12:32,821,490, plus strand): 5'-CGATCAAGGACAGATACATCCTTATAACAATGGAATGCCACAGCCACTCCACGCCCTTGG[G>A]GTTGCTCTTTTCCTCCGGCATCGGCACGTCCTGGTATTGCTGACCACACACAAAAGGAAT-3'
Protein context (NP_001005242.2, residues 617-637): DVPMPEEKSN[Pro627Ser]KGVEWLWHSI